The following is an entry in ClinVar:

ClinVar aggregate classification (germline): Uncertain significance. Review status: criteria provided, multiple submitters, no conflicts (2 of 4 stars). 2 submissions from 2 submitters: Uncertain significance (2). Last evaluated 2025-08-29.

Conditions:
Inborn genetic diseases. Identifiers: MedGen C0950123, MeSH D030342.
Achondrogenesis, type IA (ACG1A). Identifiers: Orphanet 932, Orphanet 93299, MedGen C0265273, MONDO:0008701, OMIM 200600.

Allele frequency attached by ClinVar (database versions not stated): gnomAD 0.00001; TOPMed 0.00001.

Submissions (2):

Ambry Genetics
Classification: Uncertain significance for Inborn genetic diseases. Last evaluated: 2025-08-29. Review status: criteria provided, single submitter. Criteria: Ambry Variant Classification Scheme 2023. Collection method: clinical testing. Allele origin: germline.

Labcorp Genetics (formerly Invitae), Labcorp
Classification: Uncertain significance for Achondrogenesis, type IA. Last evaluated: 2025-01-07. Review status: criteria provided, single submitter. Criteria: Invitae Variant Classification Sherloc (09022015). Collection method: clinical testing. Allele origin: germline.
Comment: This sequence change replaces threonine, which is neutral and polar, with alanine, which is neutral and non-polar, at codon 642 of the TRIP11 protein (p.Thr642Ala). This variant is not present in population databases (gnomAD no frequency). This variant has not been reported in the literature in individuals affected with TRIP11-related conditions. ClinVar contains an entry for this variant (Variation ID: 2556097). Invitae Evidence Modeling of protein sequence and biophysical properties (such as structural, functional, and spatial information, amino acid conservation, physicochemical variation, residue mobility, and thermodynamic stability) indicates that this missense variant is not expected to disrupt TRIP11 protein function with a negative predictive value of 80%. In summary, the available evidence is currently insufficient to determine the role of this variant in disease. Therefore, it has been classified as a Variant of Uncertain Significance.

NM_004239.4(TRIP11):c.1924A>G (p.Thr642Ala)

Gene: TRIP11 (thyroid hormone receptor interactor 11; minus strand). Cytogenetic location: 14q32.12.
Variant type: single nucleotide variant.
Coding change: c.1924A>G on transcript NM_004239.4 (MANE Select); coding-DNA position 1924, A replaced by G.
Protein change: p.Thr642Ala; replaces threonine 642 with alanine.
Molecular consequence: missense variant.
Genome position (GRCh38, 1-based): chr14:92,006,052, T>C on the plus strand (A>G on the coding strand, the complement: TRIP11 is on the minus strand). VCF-style: chr14-92006052-T-C. GRCh37 (hg19) VCF-style: chr14-92472396-T-C.
Other names: c.1921A>G, p.Thr641Ala (NM_001321851.1); short protein forms T641A, T642A.
Identifiers: ClinVar variation 2556097 (VCV002556097.5), dbSNP rs2056897936, ClinGen allele CA390659366.